The following is an entry in ClinVar:

ClinVar aggregate classification (germline): Uncertain significance (1 of 4 stars; one submission).

Allele frequency attached by ClinVar (database versions not stated): gnomAD exomes below 0.00001; ExAC 0.00002; TOPMed 0.00002; 1000 Genomes Project 30x 0.00016.

Submission:

Labcorp Genetics (formerly Invitae), Labcorp
Classification: Uncertain significance. Last evaluated: 2023-12-02. Review status: criteria provided, single submitter. Criteria: Invitae Variant Classification Sherloc (09022015). Collection method: clinical testing. Allele origin: germline.
Comment: This sequence change replaces alanine, which is neutral and non-polar, with threonine, which is neutral and polar, at codon 31 of the TBX6 protein (p.Ala31Thr). This variant is present in population databases (rs751058860, gnomAD 0.01%). This variant has not been reported in the literature in individuals affected with TBX6-related conditions. Algorithms developed to predict the effect of missense changes on protein structure and function output the following: SIFT: "Not Available"; PolyPhen-2: "Benign"; Align-GVGD: "Not Available". The threonine amino acid residue is found in multiple mammalian species, which suggests that this missense change does not adversely affect protein function. In summary, the available evidence is currently insufficient to determine the role of this variant in disease. Therefore, it has been classified as a Variant of Uncertain Significance.

NM_004608.4(TBX6):c.91G>A (p.Ala31Thr)

Gene: TBX6 (T-box transcription factor 6; minus strand). Cytogenetic location: 16p11.2.
Variant type: single nucleotide variant.
Coding change: c.91G>A on transcript NM_004608.4 (MANE Select); coding-DNA position 91, G replaced by A.
Protein change: p.Ala31Thr; replaces alanine 31 with threonine.
Molecular consequence: missense variant.
Genome position (GRCh38, 1-based): chr16:30,091,103, C>T on the plus strand (G>A on the coding strand, the complement: TBX6 is on the minus strand). VCF-style: chr16-30091103-C-T. GRCh37 (hg19) VCF-style: chr16-30102424-C-T.
Other names: short protein forms A31T.
Identifiers: ClinVar variation 3023240 (VCV003023240.3), dbSNP rs751058860, ClinGen allele CA8002020.